The following is an entry in ClinVar:

ClinVar aggregate classification (germline): Benign (1 of 4 stars; one submission).

Conditions:
Papillary renal cell carcinoma type 1 (RCCP1). Also called: RENAL CELL CARCINOMA, PAPILLARY, 1, SOMATIC; Renal adenocarcinoma; Renal cell carcinoma 1; Renal cell carcinoma, somatic. Identifiers: Orphanet 47044, MedGen C1336839, OMIM 605074, HP:0011797.

gnomAD v4.1: 2 of 1,613,956 alleles (0.00012%); highest among the groups gnomAD compares: Admixed American, 0.0017%; no homozygotes.

Submission:

Myriad Genetics, Inc.
Classification: Benign for Papillary renal cell carcinoma type 1. Last evaluated: 2024-11-06. Review status: criteria provided, single submitter. Criteria: Myriad Autosomal Dominant, Autosomal Recessive and X-Linked Classification Criteria (2023). Collection method: clinical testing. Allele origin: unknown.
Comment: This variant is considered benign. This variant is a silent/synonymous amino acid change and it is not expected to impact splicing.

NM_000245.4(MET):c.120G>A (p.Lys40=)

Gene: MET (MET proto-oncogene, receptor tyrosine kinase; plus strand). Cytogenetic location: 7q31.2.
Variant type: single nucleotide variant.
Coding change: c.120G>A on transcript NM_000245.4 (MANE Select); coding-DNA position 120, G replaced by A.
Protein change: p.Lys40=; no amino-acid change (lysine 40 retained).
Molecular consequence: synonymous variant. On other transcripts: intron variant (1).
Genome position (GRCh38, 1-based): chr7:116,699,204, G>A. VCF-style: chr7-116699204-G-A. GRCh37 (hg19) VCF-style: chr7-116339258-G-A.
Other names: c.120G>A, p.Lys40= (NM_001127500.3, NM_001324401.3); c.-91+26627G>A (NM_001324402.2).
Identifiers: ClinVar variation 3773405 (VCV003773405.1).